The following is an entry in ClinVar:

NM_001378457.1(DMXL2):c.747-3T>C

Gene: DMXL2 (Dmx like 2; minus strand). Cytogenetic location: 15q21.2.
Variant type: single nucleotide variant.
Coding change: c.747-3T>C on transcript NM_001378457.1 (MANE Select); 3 bases into the intron before coding-DNA position 747, T replaced by C.
Molecular consequence: intron variant.
Genome position (GRCh38, 1-based): chr15:51,545,769, A>G on the plus strand (T>C on the coding strand, the complement: DMXL2 is on the minus strand). VCF-style: chr15-51545769-A-G. GRCh37 (hg19) VCF-style: chr15-51837966-A-G.
Other names: c.747-3T>C (NM_001378460.1, NM_001174117.3, NM_015263.5 and 7 more transcripts).
Identifiers: ClinVar variation 2795987 (VCV002795987.3), dbSNP rs1297854454, ClinGen allele CA618011642.
Genomic context (GRCh38, chr15:51,545,769, plus strand): 5'-CCAGAGCCGGCACACACCATCATGACATGAAGTTAACAACACATTACAGACAGAACCCCT[A>G]ACAACAAAGAGAAATAAATAAAGGTTAATGTGAATATCAATCCCATTAACTAATTAATAT-3'

ClinVar aggregate classification (germline): Uncertain significance (1 of 4 stars; one submission).

Allele frequency attached by ClinVar (database versions not stated): gnomAD exomes below 0.00001.
gnomAD v4.1: 3 of 1,601,458 alleles (0.00019%); highest among the groups gnomAD compares: Non-Finnish European, 0.00026%; no homozygotes.

Submission:

Labcorp Genetics (formerly Invitae), Labcorp
Classification: Uncertain significance. Last evaluated: 2023-12-29. Review status: criteria provided, single submitter. Criteria: Invitae Variant Classification Sherloc (09022015). Collection method: clinical testing. Allele origin: germline.
Comment: This sequence change falls in intron 7 of the DMXL2 gene. It does not directly change the encoded amino acid sequence of the DMXL2 protein. It affects a nucleotide within the consensus splice site. This variant is present in population databases (no rsID available, gnomAD 0.0009%). This variant has not been reported in the literature in individuals affected with DMXL2-related conditions. Variants that disrupt the consensus splice site are a relatively common cause of aberrant splicing (PMID: 17576681, 9536098). Algorithms developed to predict the effect of sequence changes on RNA splicing suggest that this variant is not likely to affect RNA splicing. In summary, the available evidence is currently insufficient to determine the role of this variant in disease. Therefore, it has been classified as a Variant of Uncertain Significance.

Literature cited by the submitters: PubMed 17576681; PubMed 9536098.